The following is an entry in ClinVar:

NM_001363540.2(DOCK4):c.5173C>T (p.Leu1725=)

Gene: DOCK4 (dedicator of cytokinesis 4; minus strand). Cytogenetic location: 7q31.1.
Variant type: single nucleotide variant.
Coding change: c.5173C>T on transcript NM_001363540.2 (MANE Select); coding-DNA position 5173, C replaced by T.
Protein change: p.Leu1725=; no amino-acid change (leucine 1725 retained).
Molecular consequence: synonymous variant.
Genome position (GRCh38, 1-based): chr7:111,739,193, G>A on the plus strand (C>T on the coding strand, the complement: DOCK4 is on the minus strand). VCF-style: chr7-111739193-G-A. GRCh37 (hg19) VCF-style: chr7-111379249-G-A.
Other names: c.5146C>T, p.Leu1716= (NM_014705.4).
Identifiers: ClinVar variation 3905921 (VCV003905921.10).

ClinVar aggregate classification (germline): Likely benign (1 of 4 stars; one submission).

Submission:

CeGaT Center for Human Genetics Tuebingen
Classification: Likely benign. Last evaluated: 2025-05-01. Review status: criteria provided, single submitter. Criteria: CeGaT Center For Human Genetics Tuebingen Variant Classification Criteria Version 2. Collection method: clinical testing. Allele origin: germline. Affected: yes. Observed: 1 variant allele.
Comment: DOCK4: BP4, BP7